The following is an entry in ClinVar:

ClinVar aggregate classification (germline): Likely benign (1 of 4 stars; one submission).

Allele frequency attached by ClinVar (database versions not stated): gnomAD exomes 0.00001; gnomAD 0.00002; TOPMed 0.00002.
gnomAD v4.1: 9 of 1,281,726 alleles (0.0007%); highest among the groups gnomAD compares: Non-Finnish European, 0.00099%; no homozygotes.

Submission:

CeGaT Center for Human Genetics Tuebingen
Classification: Likely benign. Last evaluated: 2023-02-01. Review status: criteria provided, single submitter. Criteria: CeGaT Center For Human Genetics Tuebingen Variant Classification Criteria Version 2. Collection method: clinical testing. Allele origin: germline. Affected: yes. Observed: 1 variant allele.
Comment: PKD1: BP4

NM_001009944.3(PKD1):c.530-6T>C

Gene: PKD1 (polycystin 1, transient receptor potential channel interacting; minus strand). Cytogenetic location: 16p13.3.
Variant type: single nucleotide variant.
Coding change: c.530-6T>C on transcript NM_001009944.3 (MANE Select); 6 bases into the intron before coding-DNA position 530, T replaced by C.
Molecular consequence: intron variant.
Genome position (GRCh38, 1-based): chr16:2,118,468, A>G on the plus strand (T>C on the coding strand, the complement: PKD1 is on the minus strand). VCF-style: chr16-2118468-A-G. GRCh37 (hg19) VCF-style: chr16-2168469-A-G.
Other names: c.530-6T>C (NM_000296.4).
Identifiers: ClinVar variation 2646033 (VCV002646033.24), dbSNP rs1447566213, ClinGen allele CA620705927.